The following is an entry in ClinVar:

ClinVar aggregate classification (germline): Uncertain significance (1 of 4 stars; one submission).

Submission:

Labcorp Genetics (formerly Invitae), Labcorp
Classification: Uncertain significance. Last evaluated: 2025-05-10. Review status: criteria provided, single submitter. Criteria: Invitae Variant Classification Sherloc (09022015). Collection method: clinical testing. Allele origin: germline.
Comment: This sequence change creates a premature translational stop signal (p.Glu145*) in the FGF20 gene. While this is not anticipated to result in nonsense mediated decay, it is expected to disrupt the last 67 amino acid(s) of the FGF20 protein. This variant is not present in population databases (gnomAD no frequency). This variant has not been reported in the literature in individuals affected with FGF20-related conditions. In summary, the available evidence is currently insufficient to determine the role of this variant in disease. Therefore, it has been classified as a Variant of Uncertain Significance.

NM_019851.3(FGF20):c.433G>T (p.Glu145Ter)

Gene: FGF20 (fibroblast growth factor 20; minus strand). Cytogenetic location: 8p22.
Variant type: single nucleotide variant.
Coding change: c.433G>T on transcript NM_019851.3 (MANE Select); coding-DNA position 433, G replaced by T.
Protein change: p.Glu145Ter; replaces glutamic acid 145 with a stop codon.
Molecular consequence: nonsense.
Genome position (GRCh38, 1-based): chr8:16,993,275, C>A on the plus strand (G>T on the coding strand, the complement: FGF20 is on the minus strand). VCF-style: chr8-16993275-C-A. GRCh37 (hg19) VCF-style: chr8-16850784-C-A.
Other names: short protein forms E145*.
Identifiers: ClinVar variation 4718350 (VCV004718350.1).